The following is an entry in ClinVar:

NM_007294.4(BRCA1):c.4195A>G (p.Thr1399Ala)

Gene: BRCA1 (BRCA1 DNA repair associated; minus strand). Cytogenetic location: 17q21.31.
Variant type: single nucleotide variant.
Coding change: c.4195A>G on transcript NM_007294.4 (MANE Select); coding-DNA position 4195, A replaced by G.
Protein change: p.Thr1399Ala; replaces threonine 1399 with alanine.
Molecular consequence: missense variant. On other transcripts: non-coding transcript variant (1).
Genome position (GRCh38, 1-based): chr17:43,082,566, T>C on the plus strand (A>G on the coding strand, the complement: BRCA1 is on the minus strand). VCF-style: chr17-43082566-T-C. GRCh37 (hg19) VCF-style: chr17-41234583-T-C.
Other names: c.3931A>G, p.Thr1311Ala (NM_001407926.1, NM_001407927.1, NM_001407928.1 and 7 more transcripts); c.3928A>G, p.Thr1310Ala (NM_001407930.1, NM_001407931.1, NM_001407932.1 and 3 more transcripts); c.4069A>G, p.Thr1357Ala (NM_001407941.1, NM_001407649.1, NM_001407670.1 and 12 more transcripts); c.4054A>G, p.Thr1352Ala (NM_001407942.1, NM_001407944.1, NM_001407945.1 and 23 more transcripts); c.4051A>G, p.Thr1351Ala (NM_001407943.1, NM_001407964.1, NM_001407749.1 and 23 more transcripts); c.3862A>G, p.Thr1288Ala (NM_001407946.1, NM_001407947.1, NM_001407948.1 and 3 more transcripts); c.3814A>G, p.Thr1272Ala (NM_001407960.1, NM_001407959.1); c.3811A>G, p.Thr1271Ala (NM_001407962.1, NM_001407963.1); and 51 more; short protein forms T1352A, T296A, T1399A, T1103A, T1271A, T1311A, T1327A, T1356A.
Identifiers: ClinVar variation 1424745 (VCV001424745.11), dbSNP rs2154162286, ClinGen allele CA10593330.

ClinVar aggregate classification (germline): Uncertain significance. Review status: criteria provided, multiple submitters, no conflicts (2 of 4 stars). 3 submissions from 3 submitters: Uncertain significance (3). Last evaluated 2026-08-31.

Conditions:
Hereditary cancer-predisposing syndrome. Also called: Hereditary Cancer Syndrome; Neoplastic Syndromes, Hereditary; Hereditary neoplastic syndrome; Tumor predisposition. Identifiers: Orphanet 140162, MedGen C0027672, MeSH D009386, MONDO:0015356.
Hereditary breast ovarian cancer syndrome. Also called: Breast and ovarian cancer; Hereditary breast and ovarian cancer syndrome; Hereditary breast and ovarian cancer syndrome (HBOC); Hereditary breast and ovarian cancer; Hereditary breast and/or ovarian cancer syndrome; BRCA1- and BRCA2-Associated Hereditary Breast and Ovarian Cancer. Identifiers: Orphanet 145, MedGen C0677776, MeSH D061325, MONDO:0003582. Disease mechanism: loss of function.
Breast-ovarian cancer, familial, susceptibility to, 1 (BROVCA1). Also called: BRCA1 Hereditary Breast and Ovarian Cancer; OVARIAN CANCER, SUSCEPTIBILITY TO. Identifiers: Orphanet 145, MedGen C2676676, MONDO:0011450, OMIM 604370. Disease mechanism: loss of function.

Submissions (3):

Ambry Genetics
Classification: Uncertain significance for Hereditary cancer-predisposing syndrome. Last evaluated: 2026-08-31. Review status: criteria provided, single submitter. Criteria: Ambry Variant Classification Scheme 2023. Collection method: clinical testing. Allele origin: germline.
Comment: The p.T1399A variant (also known as c.4195A>G), located in coding exon 11 of the BRCA1 gene, results from an A to G substitution at nucleotide position 4195. The threonine at codon 1399 is replaced by alanine, an amino acid with similar properties. This amino acid position is well conserved in available vertebrate species. In addition, the in silico prediction for this alteration is inconclusive. Based on the available evidence, the clinical significance of this variant remains unclear.

Labcorp Genetics (formerly Invitae), Labcorp
Classification: Uncertain significance for Hereditary breast ovarian cancer syndrome. Last evaluated: 2024-02-09. Review status: criteria provided, single submitter. Criteria: Invitae Variant Classification Sherloc (09022015). Collection method: clinical testing. Allele origin: germline.
Comment: This sequence change replaces threonine, which is neutral and polar, with alanine, which is neutral and non-polar, at codon 1399 of the BRCA1 protein (p.Thr1399Ala). This variant is not present in population databases (gnomAD no frequency). This variant has not been reported in the literature in individuals affected with BRCA1-related conditions. ClinVar contains an entry for this variant (Variation ID: 1424745). Advanced modeling of protein sequence and biophysical properties (such as structural, functional, and spatial information, amino acid conservation, physicochemical variation, residue mobility, and thermodynamic stability) performed at Invitae indicates that this missense variant is not expected to disrupt BRCA1 protein function with a negative predictive value of 95%. In summary, the available evidence is currently insufficient to determine the role of this variant in disease. Therefore, it has been classified as a Variant of Uncertain Significance.

All of Us Research Program, National Institutes of Health
Classification: Uncertain significance for Breast-ovarian cancer, familial, susceptibility to, 1. Last evaluated: 2023-12-18. Review status: criteria provided, single submitter. Criteria: ACMG Guidelines, 2015. Collection method: clinical testing. Allele origin: germline. Inheritance: Autosomal dominant inheritance. Observed: 1 variant allele, 1 heterozygote.
Comment: This missense variant replaces threonine with alanine at codon 1399 of the BRCA1 protein. Computational prediction suggests that this variant may not impact protein structure and function (internally defined REVEL score threshold <= 0.5, PMID: 27666373). To our knowledge, functional studies have not been reported for this variant. This variant has been detected in a breast cancer case-control meta-analysis in 1/60466 cases and 0/53461 unaffected individuals (PMID: 33471991; Leiden Open Variation Database DB-ID BRCA1_006271). This variant has not been identified in the general population by the Genome Aggregation Database (gnomAD). The available evidence is insufficient to determine the role of this variant in disease conclusively. Therefore, this variant is classified as a Variant of Uncertain Significance.

This study involves interpretation of variants in research participants for the purpose of population health screening. Participant phenotype was not available at the time of variant classification. Additional details can be found in publication PMID: 35346344, PMCID: PMC8962531

Literature cited by the submitters: PubMed 33471991 (cited by All of Us Research Program, National Institutes of Health).